The following is an entry in ClinVar:

NM_001292063.2(OTOG):c.6092C>T (p.Thr2031Ile)

Gene: OTOG (otogelin; plus strand). Cytogenetic location: 11p15.1.
Variant type: single nucleotide variant.
Coding change: c.6092C>T on transcript NM_001292063.2 (MANE Select); coding-DNA position 6092, C replaced by T.
Protein change: p.Thr2031Ile; replaces threonine 2031 with isoleucine.
Molecular consequence: missense variant.
Genome position (GRCh38, 1-based): chr11:17,611,392, C>T. VCF-style: chr11-17611392-C-T. GRCh37 (hg19) VCF-style: chr11-17632939-C-T.
Other names: c.6128C>T, p.Thr2043Ile (NM_001277269.2); short protein forms T2043I, T2031I.
Identifiers: ClinVar variation 666739 (VCV000666739.20), dbSNP rs545321215, ClinGen allele CA5905983.

ClinVar aggregate classification (germline): Conflicting classifications of pathogenicity. Review status: criteria provided, conflicting classifications (1 of 4 stars). 5 submissions from 5 submitters: Uncertain significance (2); Likely benign (2). 1 of the submissions does not count toward it. Last evaluated 2026-08-11.

Conditions:
OTOG-related disorder. Also called: OTOG-related condition.

Allele frequency attached by ClinVar (database versions not stated): gnomAD 0.00035 and 0.00034; ExAC 0.00009; gnomAD exomes 0.00029; TOPMed 0.00029.
gnomAD v4.1: 564 of 1,537,002 alleles (0.037%); highest among the groups gnomAD compares: Non-Finnish European, 0.046%; 1 homozygote.

Submissions (5):

GeneDx
Classification: Uncertain significance. Last evaluated: 2026-08-11. Review status: criteria provided, single submitter. Criteria: GeneDx Variant Classification Process June 2021. Collection method: clinical testing. Allele origin: germline.
Comment: In silico analysis suggests that this missense variant does not alter protein structure/function; Has not been previously published as pathogenic or benign to our knowledge

Blueprint Genetics
Classification: Likely benign. Last evaluated: 2024-10-09. Review status: criteria provided, single submitter. Criteria: ACMG Guidelines, 2015. Collection method: clinical testing. Allele origin: germline.

Labcorp Genetics (formerly Invitae), Labcorp
Classification: Uncertain significance. Last evaluated: 2022-09-01. Review status: criteria provided, single submitter. Criteria: Invitae Variant Classification Sherloc (09022015). Collection method: clinical testing. Allele origin: germline.
Comment: This sequence change replaces threonine, which is neutral and polar, with isoleucine, which is neutral and non-polar, at codon 2043 of the OTOG protein (p.Thr2043Ile). This variant is present in population databases (rs545321215, gnomAD 0.07%). This variant has not been reported in the literature in individuals affected with OTOG-related conditions. ClinVar contains an entry for this variant (Variation ID: 666739). Algorithms developed to predict the effect of missense changes on protein structure and function output the following: SIFT: "Tolerated"; PolyPhen-2: "Benign"; Align-GVGD: "Class C0". The isoleucine amino acid residue is found in multiple mammalian species, which suggests that this missense change does not adversely affect protein function. In summary, the available evidence is currently insufficient to determine the role of this variant in disease. Therefore, it has been classified as a Variant of Uncertain Significance.

Laboratory for Molecular Medicine, Mass General Brigham Personalized Medicine
Classification: Likely benign. Last evaluated: 2018-05-15. Review status: criteria provided, single submitter. Criteria: LMM Criteria. Collection method: clinical testing. Allele origin: germline. Observed: 1 variant allele.
Comment: p.Thr2043Ile in exon 35 of OTOG: This variant is likely benign because it is not conserved through species, with 4 mammals (dog, panda, Pacific walrus and Wedde ll seal) having an isoleucine (Ile) at this position. It has been identified in 0.066% (43/64788) of European chromosomes by the Genome Aggregation Database (gn omAD; dbSNP rs545321215). ACMG/AMP criteria a pplied: BP4_Strong.

PreventionGenetics, part of Exact Sciences
Classification: Uncertain significance for OTOG-related condition. Last evaluated: 2024-01-02. Review status: no assertion criteria provided. Collection method: clinical testing. Allele origin: germline. Not counted in ClinVar's aggregate classification.
Comment: The OTOG c.6128C>T variant is predicted to result in the amino acid substitution p.Thr2043Ile. To our knowledge, this variant has not been reported in the literature. This variant is reported in 0.063% of alleles in individuals of European (Non-Finnish) descent in gnomAD. At this time, the clinical significance of this variant is uncertain due to the absence of conclusive functional and genetic evidence.